The following is an entry in ClinVar:

NM_032119.4(ADGRV1):c.17992G>A (p.Val5998Met)

Gene: ADGRV1 (adhesion G protein-coupled receptor V1; plus strand). Cytogenetic location: 5q14.3.
Variant type: single nucleotide variant.
Coding change: c.17992G>A on transcript NM_032119.4 (MANE Select); coding-DNA position 17992, G replaced by A.
Protein change: p.Val5998Met; replaces valine 5998 with methionine.
Molecular consequence: missense variant. On other transcripts: non-coding transcript variant (1).
Genome position (GRCh38, 1-based): chr5:90,985,362, G>A. VCF-style: chr5-90985362-G-A. GRCh37 (hg19) VCF-style: chr5-90281179-G-A.
Other names: short protein forms V5998M.
Identifiers: ClinVar variation 417908 (VCV000417908.15), dbSNP rs557989446, ClinGen allele CA3342533.
Genomic context (GRCh38, chr5:90,985,362, plus strand): 5'-TTAAAGAAGAGCCTGTTCATTTTATGTTGTTTTCTTCCTTAGTCTGTGAATTTCTGGTAC[G>A]TGCTGGTGATGAATGATGAGCACACAGAGAGGCGATATCTGCTGTTTTTCCTTCTGAGTT-3'
Protein context (NP_115495.3, residues 5988-6008): MLIQSVNFWY[Val5998Met]LVMNDEHTER

ClinVar aggregate classification (germline): Conflicting classifications of pathogenicity. Review status: criteria provided, conflicting classifications (1 of 4 stars). 5 submissions from 5 submitters: Uncertain significance (3); Likely benign (1). 1 of the submissions does not count toward it. Last evaluated 2026-01-18.

Conditions:
Usher syndrome type 2C. Also called: USHER SYNDROME, TYPE IIC; Usher syndrome, type 2B. Identifiers: Orphanet 231178, Orphanet 886, MedGen C2931213, MONDO:0011558, OMIM 605472.

Allele frequency attached by ClinVar (database versions not stated): ExAC 0.00009; 1000 Genomes Project 0.00020; 1000 Genomes Project 30x 0.00031; TOPMed 0.00055; gnomAD 0.00073 and 0.00078.
gnomAD v4.1: 205 of 1,611,590 alleles (0.013%); highest among the groups gnomAD compares: Admixed American, 0.25%; 1 homozygote.

Submissions (5):

Labcorp Genetics (formerly Invitae), Labcorp
Classification: Likely benign. Last evaluated: 2026-01-18. Review status: criteria provided, single submitter. Criteria: Invitae Variant Classification Sherloc (09022015). Collection method: clinical testing. Allele origin: germline.

Women's Health and Genetics/Laboratory Corporation of America, LabCorp
Classification: Uncertain significance. Last evaluated: 2025-11-12. Review status: criteria provided, single submitter. Criteria: LabCorp Variant Classification Summary - May 2015. Collection method: clinical testing. Allele origin: germline.
Comment: Variant summary: ADGRV1 c.17992G>A (p.Val5998Met) results in a conservative amino acid change located in the GPCR, family 2-like, transmembrane domain (IPR017981) of the encoded protein sequence. Algorithms developed to predict the effect of missense changes on protein structure and function are either unavailable or do not agree on the potential impact of this missense change. The variant allele was found at a frequency of 0.00021 in 247238 control chromosomes. This frequency is not significantly higher than estimated for disease-causing variants in ADGRV1, allowing no conclusion about variant significance. c.17992G>A has been reported in individuals affected with Usher Syndrome (Sloan-Heggen_2016) and hearing loss (Sheppard_2018). These report(s) do not provide unequivocal conclusions about association of the variant with Usher Syndrome. To our knowledge, no experimental evidence demonstrating an impact on protein function has been reported. ClinVar contains an entry for this variant (Variation ID: 417908). Based on the evidence outlined above, the variant was classified as uncertain significance.

Blueprint Genetics
Classification: Uncertain significance. Last evaluated: 2024-09-18. Review status: criteria provided, single submitter. Criteria: ACMG Guidelines, 2015. Collection method: clinical testing. Allele origin: germline.

Illumina Laboratory Services, Illumina
Classification: Uncertain significance for Usher syndrome type 2C. Last evaluated: 2018-01-13. Review status: criteria provided, single submitter. Criteria: ICSL Variant Classification Criteria 13 December 2019. Collection method: clinical testing. Allele origin: germline.

Division of Human Genetics, Children's Hospital of Philadelphia
Classification: Uncertain significance for Usher syndrome type 2C. Last evaluated: 2016-02-23. Review status: no assertion criteria provided. Collection method: research. Allele origin: maternal. Affected: yes. Study: CSER-PediSeq. Not counted in ClinVar's aggregate classification.

Literature cited by the submitters: PubMed 26969326 (cited by Women's Health and Genetics/Laboratory Corporation of America, LabCorp); PubMed 29907799 (cited by Women's Health and Genetics/Laboratory Corporation of America, LabCorp); PubMed 35813073 (cited by Women's Health and Genetics/Laboratory Corporation of America, LabCorp).